The following is an entry in ClinVar:

NM_001061.7(TBXAS1):c.937C>A (p.Pro313Thr)

Gene: TBXAS1 (thromboxane A synthase 1; plus strand). Cytogenetic location: 7q34.
Variant type: single nucleotide variant.
Coding change: c.937C>A on transcript NM_001061.7 (MANE Select); coding-DNA position 937, C replaced by A.
Protein change: p.Pro313Thr; replaces proline 313 with threonine.
Molecular consequence: missense variant.
Genome position (GRCh38, 1-based): chr7:139,962,036, C>A. VCF-style: chr7-139962036-C-A. GRCh37 (hg19) VCF-style: chr7-139661835-C-A.
Other names: c.937C>A, p.Pro313Thr (NM_001130966.5, NM_030984.6); c.1075C>A, p.Pro359Thr (NM_001166253.4); c.736C>A, p.Pro246Thr (NM_001166254.4); c.880C>A, p.Pro294Thr (NM_001314028.4); c.754C>A, p.Pro252Thr (NM_001366537.3); short protein forms P294T, P252T, P314T, P359T, P313T, P246T, P360T.
Identifiers: ClinVar variation 1991370 (VCV001991370.4), dbSNP rs2535780520, ClinGen allele CA369584717.

ClinVar aggregate classification (germline): Uncertain significance (1 of 4 stars; one submission).

Allele frequency attached by ClinVar (database versions not stated): gnomAD exomes below 0.00001.
gnomAD v4.1: 2 of 1,614,220 alleles (0.00012%); highest among the groups gnomAD compares: Non-Finnish European, 0.00017%; no homozygotes.

Submission:

Labcorp Genetics (formerly Invitae), Labcorp
Classification: Uncertain significance. Last evaluated: 2022-05-12. Review status: criteria provided, single submitter. Criteria: Invitae Variant Classification Sherloc (09022015). Collection method: clinical testing. Allele origin: germline.
Comment: This variant has not been reported in the literature in individuals affected with TBXAS1-related conditions. In summary, the available evidence is currently insufficient to determine the role of this variant in disease. Therefore, it has been classified as a Variant of Uncertain Significance. Advanced modeling of protein sequence and biophysical properties (such as structural, functional, and spatial information, amino acid conservation, physicochemical variation, residue mobility, and thermodynamic stability) performed at Invitae indicates that this missense variant is not expected to disrupt TBXAS1 protein function. This variant is not present in population databases (gnomAD no frequency). This sequence change replaces proline, which is neutral and non-polar, with threonine, which is neutral and polar, at codon 314 of the TBXAS1 protein (p.Pro314Thr).